The following is an entry in ClinVar:

NM_152594.3(SPRED1):c.259C>T (p.Pro87Ser)

Gene: SPRED1 (sprouty related EVH1 domain containing 1; plus strand). Cytogenetic location: 15q14.
Variant type: single nucleotide variant.
Coding change: c.259C>T on transcript NM_152594.3 (MANE Select); coding-DNA position 259, C replaced by T.
Protein change: p.Pro87Ser; replaces proline 87 with serine.
Molecular consequence: missense variant.
Genome position (GRCh38, 1-based): chr15:38,322,292, C>T. VCF-style: chr15-38322292-C-T. GRCh37 (hg19) VCF-style: chr15-38614493-C-T.
Other names: short protein forms P87S.
Identifiers: ClinVar variation 4615017 (VCV004615017.1).

ClinVar aggregate classification (germline): Uncertain significance (1 of 4 stars; one submission).

Conditions:
Cardiovascular phenotype. Identifiers: MedGen CN230736.

Submission:

Ambry Genetics
Classification: Uncertain significance for Cardiovascular phenotype. Last evaluated: 2025-10-21. Review status: criteria provided, single submitter. Criteria: Ambry Variant Classification Scheme 2023. Collection method: clinical testing. Allele origin: germline.
Comment: The p.P87S variant (also known as c.259C>T), located in coding exon 3 of the SPRED1 gene, results from a C to T substitution at nucleotide position 259. The proline at codon 87 is replaced by serine, an amino acid with similar properties. This amino acid position is conserved. In addition, this alteration is predicted to be deleterious by in silico analysis. Based on the available evidence, the clinical significance of this variant remains unclear.